The following is an entry in ClinVar:

NM_001972.4(ELANE):c.367C>G (p.Leu123Val)

Gene: ELANE (elastase, neutrophil expressed; plus strand). Cytogenetic location: 19p13.3.
Variant type: single nucleotide variant.
Coding change: c.367C>G on transcript NM_001972.4 (MANE Select); coding-DNA position 367, C replaced by G.
Protein change: p.Leu123Val; replaces leucine 123 with valine.
Molecular consequence: missense variant.
Genome position (GRCh38, 1-based): chr19:855,564, C>G. VCF-style: chr19-855564-C-G. GRCh37 (hg19) VCF-style: chr19-855564-C-G.
Other names: short protein forms L123V.
Identifiers: ClinVar variation 977499 (VCV000977499.1), dbSNP rs2035663521, ClinGen allele CA402917690.

ClinVar aggregate classification (germline): Uncertain significance (1 of 4 stars; one submission).

Conditions:
Neutropenia, severe congenital, 1, autosomal dominant. Identifiers: MedGen C1859966, MONDO:0042490, OMIM 202700.

Submission:

Johns Hopkins Genomics, Johns Hopkins University
Classification: Uncertain significance for Neutropenia, severe congenital, 1, autosomal dominant. Last evaluated: 2020-08-28. Review status: criteria provided, single submitter. Criteria: ACMG Guidelines, 2015. Collection method: clinical testing. Allele origin: germline.
Comment: This ELANE variant is absent from a large population dataset and has not been reported in ClinVar nor the literature, to our knowledge. Three bioinformatic tools queried predict that this substitution would be damaging, and the leucine residue at this position is highly evolutionarily conserved across most species assessed. Bioinformatic analysis also predicts that this variant would affect normal exon 4 splicing, although this has not been confirmed experimentally to our knowledge. Due to insufficient evidence that this variant is deleterious, we consider the clinical significance of c.367C>G to be uncertain at this time.